The following is an entry in ClinVar:

NM_004006.3(DMD):c.1840A>T (p.Lys614Ter)

Gene: DMD (dystrophin; minus strand). Cytogenetic location: Xp21.1.
Variant type: single nucleotide variant.
Coding change: c.1840A>T on transcript NM_004006.3 (MANE Select); coding-DNA position 1840, A replaced by T.
Protein change: p.Lys614Ter; replaces lysine 614 with a stop codon.
Molecular consequence: nonsense.
Genome position (GRCh38, 1-based): chrX:32,565,854, T>A on the plus strand (A>T on the coding strand, the complement: DMD is on the minus strand). VCF-style: chrX-32565854-T-A. GRCh37 (hg19) VCF-style: chrX-32583971-T-A.
Other names: c.1816A>T, p.Lys606Ter (NM_000109.4); c.1828A>T, p.Lys610Ter (NM_004009.3); c.1471A>T, p.Lys491Ter (NM_004010.3); short protein forms K491*, K606*, K610*, K614*.
Identifiers: ClinVar variation 1725239 (VCV001725239.3), dbSNP rs2526587221, ClinGen allele CA412672948.
Genomic context (GRCh38, chrX:32,565,854, plus strand): 5'-TATTCTTCAGTGTTGAAAGAAGATCTTGTTTGAGTGAATACAGTTTGCCCATGGATTGCT[T>A]TTTCTTTTCTAGATCCGCTTTTAAAACCTGTTAAAACAAGAAAGATCACAGAATAAGCCT-3'

ClinVar aggregate classification (germline): Likely pathogenic (1 of 4 stars; one submission).

Conditions:
Progressive muscular dystrophy. Identifiers: Orphanet 206644, MedGen C4551827, MONDO:0016106.

Submission:

Myriad Genetics, Inc.
Classification: Likely pathogenic for Progressive muscular dystrophy. Last evaluated: 2022-03-15. Review status: criteria provided, single submitter. Criteria: Myriad Autosomal Dominant, Autosomal Recessive and X-Linked Classification Criteria (2023). Collection method: clinical testing. Allele origin: unknown.
Comment: NM_004006.2(DMD):c.1840A>T(K614*) is expected to be pathogenic in the context of dystrophinopathy (including Duchenne/Becker muscular dystrophy). This variant is predicted to lead to an abnormal or absent protein product due to the creation of a premature termination codon in DMD, a gene where loss-of-function variants are known to be pathogenic. Please note: this variant was assessed in the context of healthy population screening.